The following is an entry in ClinVar:

NM_020964.3(EPG5):c.1629_1630del (p.Gly544fs)

Gene: EPG5 (ectopic P-granules 5 autophagy tethering factor; minus strand). Cytogenetic location: 18q21.1.
Variant type: Deletion.
Coding change: c.1629_1630del on transcript NM_020964.3 (MANE Select); coding-DNA positions 1629 to 1630, 2 bases deleted (AG; older notation c.1629_1630delAG).
Protein change: p.Gly544fs; shifts the reading frame from glycine 544.
Molecular consequence: frameshift variant.
Genome position (GRCh38, 1-based): chr18:45,946,710-45,946,711, CT deleted on the plus strand (AG on the coding strand, the reverse complement: EPG5 is on the minus strand). VCF-style (leftmost placement, unchanged base first): chr18-45946709-CCT-C. GRCh37 (hg19) VCF-style: chr18-43526675-CCT-C.
Other names: c.1629_1630del, p.Gly544fs (NM_001410858.1, NM_001410859.1); short protein forms G544fs.
Identifiers: ClinVar variation 2770861 (VCV002770861.3), dbSNP rs2512046039, ClinGen allele CA2697555465.

ClinVar aggregate classification (germline): Pathogenic (1 of 4 stars; one submission).

Conditions:
Vici syndrome (VICIS). Identifiers: Orphanet 1493, MedGen C1855772, MONDO:0009452, OMIM 242840.

Submission:

Labcorp Genetics (formerly Invitae), Labcorp
Classification: Pathogenic for Vici syndrome. Last evaluated: 2023-10-22. Review status: criteria provided, single submitter. Criteria: Invitae Variant Classification Sherloc (09022015). Collection method: clinical testing. Allele origin: germline.
Comment: This sequence change creates a premature translational stop signal (p.Gly544Alafs*17) in the EPG5 gene. It is expected to result in an absent or disrupted protein product. Loss-of-function variants in EPG5 are known to be pathogenic (PMID: 23222957, 23674064). This variant is not present in population databases (gnomAD no frequency). This variant has not been reported in the literature in individuals affected with EPG5-related conditions. For these reasons, this variant has been classified as Pathogenic.

Literature cited by the submitters: PubMed 23222957; PubMed 23674064.